The following is an entry in ClinVar:

NM_001851.6(COL9A1):c.2617C>G (p.Arg873Gly)

Gene: COL9A1 (collagen type IX alpha 1 chain; minus strand). Cytogenetic location: 6q13.
Variant type: single nucleotide variant.
Coding change: c.2617C>G on transcript NM_001851.6 (MANE Select); coding-DNA position 2617, C replaced by G.
Protein change: p.Arg873Gly; replaces arginine 873 with glycine.
Molecular consequence: missense variant. On other transcripts: non-coding transcript variant (1).
Genome position (GRCh38, 1-based): chr6:70,217,046, G>C on the plus strand (C>G on the coding strand, the complement: COL9A1 is on the minus strand). VCF-style: chr6-70217046-G-C. GRCh37 (hg19) VCF-style: chr6-70926749-G-C.
Other names: c.1918C>G, p.Arg640Gly (NM_001377289.1); c.1741C>G, p.Arg581Gly (NM_001377290.1); c.1888C>G, p.Arg630Gly (NM_078485.4); short protein forms R873G, R630G, R581G, R640G.
Identifiers: ClinVar variation 357800 (VCV000357800.14), dbSNP rs200829297, ClinGen allele CA3881710.

ClinVar aggregate classification (germline): Uncertain significance. Review status: criteria provided, multiple submitters, no conflicts (2 of 4 stars). 6 submissions from 6 submitters: Uncertain significance (6). Last evaluated 2026-01-04.

Conditions:
Inborn genetic diseases. Identifiers: MedGen C0950123, MeSH D030342.
Epiphyseal dysplasia, multiple, 6. Also called: COL9A1-Related Multiple Epiphyseal Dysplasia. Identifiers: MedGen C2675767, MONDO:0013591, OMIM 614135.
Stickler syndrome, type 4 (STL4). Identifiers: Orphanet 250984, Orphanet 828, MedGen C3279941, MONDO:0013590, OMIM 614134.
COL9A1-related disorder. Also called: COL9A1-related condition; COL9A1-related disorders.

Allele frequency attached by ClinVar (database versions not stated): ExAC 0.00002; ESP Exome Variant Server 0.00015.
gnomAD v4.1: 97 of 1,614,014 alleles (0.006%); highest among the groups gnomAD compares: Non-Finnish European, 0.0082%; no homozygotes.

Submissions (6):

Labcorp Genetics (formerly Invitae), Labcorp
Classification: Uncertain significance. Last evaluated: 2026-01-04. Review status: criteria provided, single submitter. Criteria: Invitae Variant Classification Sherloc (09022015). Collection method: clinical testing. Allele origin: germline.
Comment: This sequence change replaces arginine, which is basic and polar, with glycine, which is neutral and non-polar, at codon 873 of the COL9A1 protein (p.Arg873Gly). This variant is present in population databases (rs200829297, gnomAD 0.01%). This variant has not been reported in the literature in individuals affected with COL9A1-related conditions. ClinVar contains an entry for this variant (Variation ID: 357800). Invitae Evidence Modeling of protein sequence and biophysical properties (such as structural, functional, and spatial information, amino acid conservation, physicochemical variation, residue mobility, and thermodynamic stability) indicates that this missense variant is not expected to disrupt COL9A1 protein function with a negative predictive value of 95%. In summary, the available evidence is currently insufficient to determine the role of this variant in disease. Therefore, it has been classified as a Variant of Uncertain Significance.

PreventionGenetics, part of Exact Sciences
Classification: Uncertain significance for COL9A1-related condition. Last evaluated: 2025-10-08. Review status: criteria provided, single submitter. Criteria: ACMG Guidelines, 2015. Collection method: clinical testing. Allele origin: germline.
Comment: The COL9A1 c.2617C>G variant is predicted to result in the amino acid substitution p.Arg873Gly. To our knowledge, this variant has not been reported in the literature. This variant is reported in 0.0099% of alleles in individuals of European (Non-Finnish) descent in gnomAD. At this time, the clinical significance of this variant is uncertain due to the absence of conclusive functional and genetic evidence.

Ambry Genetics
Classification: Uncertain significance for Inborn genetic diseases. Last evaluated: 2025-06-18. Review status: criteria provided, single submitter. Criteria: Ambry Variant Classification Scheme 2023. Collection method: clinical testing. Allele origin: germline.

Blueprint Genetics
Classification: Uncertain significance. Last evaluated: 2024-10-16. Review status: criteria provided, single submitter. Criteria: ACMG Guidelines, 2015. Collection method: clinical testing. Allele origin: germline.

Fulgent Genetics
Classification: Uncertain significance for Stickler syndrome, type 4; Epiphyseal dysplasia, multiple, 6. Last evaluated: 2024-01-02. Review status: criteria provided, single submitter. Criteria: ACMG Guidelines, 2015. Collection method: clinical testing. Allele origin: germline.

GeneDx
Classification: Uncertain significance. Last evaluated: 2021-05-26. Review status: criteria provided, single submitter. Criteria: GeneDx Variant Classification Process June 2021. Collection method: clinical testing. Allele origin: germline. Affected: yes.
Comment: Has not been previously published as pathogenic or benign to our knowledge; In silico analysis supports that this missense variant has a deleterious effect on protein structure/function; Reported in ClinVar as a variant of uncertain significance (ClinVar Variant ID# 357800; Landrum et al., 2016)